The following is an entry in ClinVar:

ClinVar aggregate classification (germline): Uncertain significance (1 of 4 stars; one submission).

Conditions:
Cardiovascular phenotype. Identifiers: MedGen CN230736.

gnomAD v4.1: 14 of 1,613,932 alleles (0.00087%); highest among the groups gnomAD compares: Non-Finnish European, 0.0012%; no homozygotes.

Submission:

Ambry Genetics
Classification: Uncertain significance for Cardiovascular phenotype. Last evaluated: 2024-07-24. Review status: criteria provided, single submitter. Criteria: Ambry Variant Classification Scheme 2023. Collection method: clinical testing. Allele origin: germline.
Comment: The p.A330P variant (also known as c.988G>C), located in coding exon 12 of the TXNRD2 gene, results from a G to C substitution at nucleotide position 988. The alanine at codon 330 is replaced by proline, an amino acid with highly similar properties. This amino acid position is conserved. In addition, this alteration is predicted to be tolerated by in silico analysis. Based on the available evidence, the clinical significance of this variant remains unclear.

NM_006440.5(TXNRD2):c.988G>C (p.Ala330Pro)

Gene: TXNRD2 (thioredoxin reductase 2; minus strand). Cytogenetic location: 22q11.21.
Variant type: single nucleotide variant.
Coding change: c.988G>C on transcript NM_006440.5 (MANE Select); coding-DNA position 988, G replaced by C.
Protein change: p.Ala330Pro; replaces alanine 330 with proline.
Molecular consequence: missense variant. On other transcripts: non-coding transcript variant (1).
Genome position (GRCh38, 1-based): chr22:19,883,423, C>G on the plus strand (G>C on the coding strand, the complement: TXNRD2 is on the minus strand). VCF-style: chr22-19883423-C-G. GRCh37 (hg19) VCF-style: chr22-19870946-C-G.
Other names: c.985G>C, p.Ala329Pro (NM_001352300.2); c.898G>C, p.Ala300Pro (NM_001352301.2); c.700G>C, p.Ala234Pro (NM_001352302.2); short protein forms A234P, A330P, A300P, A329P.
Identifiers: ClinVar variation 3464749 (VCV003464749.1).